The following is an entry in ClinVar:

ClinVar aggregate classification (germline): Uncertain significance (1 of 4 stars; one submission).

Conditions:
Inborn genetic diseases. Identifiers: MedGen C0950123, MeSH D030342.

Submission:

Ambry Genetics
Classification: Uncertain significance for Inborn genetic diseases. Last evaluated: 2023-10-09. Review status: criteria provided, single submitter. Criteria: Ambry Variant Classification Scheme 2023. Collection method: clinical testing. Allele origin: germline.
Comment: The p.Q1282E variant (also known as c.3844C>G), located in coding exon 21 of the ATR gene, results from a C to G substitution at nucleotide position 3844. The glutamine at codon 1282 is replaced by glutamic acid, an amino acid with highly similar properties. This amino acid position is conserved. In addition, this alteration is predicted to be tolerated by in silico analysis. Since supporting evidence is limited at this time, the clinical significance of this alteration remains unclear.

NM_001184.4(ATR):c.3844C>G (p.Gln1282Glu)

Gene: ATR (ATR checkpoint kinase; minus strand). Cytogenetic location: 3q23.
Variant type: single nucleotide variant.
Coding change: c.3844C>G on transcript NM_001184.4 (MANE Select); coding-DNA position 3844, C replaced by G.
Protein change: p.Gln1282Glu; replaces glutamine 1282 with glutamic acid.
Molecular consequence: missense variant.
Genome position (GRCh38, 1-based): chr3:142,535,181, G>C on the plus strand (C>G on the coding strand, the complement: ATR is on the minus strand). VCF-style: chr3-142535181-G-C. GRCh37 (hg19) VCF-style: chr3-142254023-G-C.
Other names: c.3652C>G, p.Gln1218Glu (NM_001354579.2); short protein forms Q1218E, Q1282E.
Identifiers: ClinVar variation 3221145 (VCV003221145.1), dbSNP rs2108425238, ClinGen allele CA354806357.